The following is an entry in ClinVar:

ClinVar aggregate classification (germline): Likely benign. Review status: criteria provided, multiple submitters, no conflicts (2 of 4 stars). 2 submissions from 2 submitters: Likely benign (2). Last evaluated 2025-10-02.

Conditions:
Nemaline myopathy 5 (NEM5A). Also called: NEMALINE MYOPATHY, AMISH TYPE; NEMALINE MYOPATHY 5A, AUTOSOMAL RECESSIVE, SEVERE INFANTILE; Nemaline myopathy 5, Amish type. Identifiers: Orphanet 98902, MedGen C1854380, MONDO:0011539, OMIM 605355.

Allele frequency attached by ClinVar (database versions not stated): gnomAD exomes 0.00001; ExAC 0.00002; TOPMed 0.00003; gnomAD 0.00004; ESP Exome Variant Server 0.00015.

Submissions (2):

Labcorp Genetics (formerly Invitae), Labcorp
Classification: Likely benign for Nemaline myopathy 5. Last evaluated: 2025-10-02. Review status: criteria provided, single submitter. Criteria: Invitae Variant Classification Sherloc (09022015). Collection method: clinical testing. Allele origin: germline.

GeneDx
Classification: Likely benign. Last evaluated: 2018-01-11. Review status: criteria provided, single submitter. Criteria: GeneDx Variant Classification (06012015). Collection method: clinical testing. Allele origin: germline. Affected: yes.
Comment: This variant is considered likely benign or benign based on one or more of the following criteria: it is a conservative change, it occurs at a poorly conserved position in the protein, it is predicted to be benign by multiple in silico algorithms, and/or has population frequency not consistent with disease.

NM_003283.6(TNNT1):c.294C>T (p.Ala98=)

Gene: TNNT1 (troponin T1, slow skeletal type; minus strand). Cytogenetic location: 19q13.42.
Variant type: single nucleotide variant.
Coding change: c.294C>T on transcript NM_003283.6 (MANE Select); coding-DNA position 294, C replaced by T.
Protein change: p.Ala98=; no amino-acid change (alanine 98 retained).
Molecular consequence: synonymous variant.
Genome position (GRCh38, 1-based): chr19:55,141,201, G>A on the plus strand (C>T on the coding strand, the complement: TNNT1 is on the minus strand). VCF-style: chr19-55141201-G-A. GRCh37 (hg19) VCF-style: chr19-55652569-G-A.
Other names: c.294C>T, p.Ala98= (NM_001126132.3); c.261C>T, p.Ala87= (NM_001126133.3, NM_001291774.2).
Identifiers: ClinVar variation 465994 (VCV000465994.9), dbSNP rs373544170, ClinGen allele CA9667490.